The following is an entry in ClinVar:

NM_000038.6(APC):c.5001T>A (p.Asn1667Lys)

Gene: APC (APC regulator of Wnt signaling pathway; plus strand). Cytogenetic location: 5q22.2.
Variant type: single nucleotide variant.
Coding change: c.5001T>A on transcript NM_000038.6 (MANE Select); coding-DNA position 5001, T replaced by A.
Protein change: p.Asn1667Lys; replaces asparagine 1667 with lysine.
Molecular consequence: missense variant.
Genome position (GRCh38, 1-based): chr5:112,840,595, T>A. VCF-style: chr5-112840595-T-A. GRCh37 (hg19) VCF-style: chr5-112176292-T-A.
Other names: c.5001T>A, p.Asn1667Lys (NM_001127510.3, NM_001354895.2); c.4947T>A, p.Asn1649Lys (NM_001127511.3); c.5055T>A, p.Asn1685Lys (NM_001354896.2); c.5031T>A, p.Asn1677Lys (NM_001354897.2); c.4926T>A, p.Asn1642Lys (NM_001354898.2); c.4917T>A, p.Asn1639Lys (NM_001354899.2); c.4878T>A, p.Asn1626Lys (NM_001354900.2); c.4824T>A, p.Asn1608Lys (NM_001354901.2); and 5 more; short protein forms N1649K, N1667K, N1576K, N1677K, N1384K, N1566K, N1608K, N1642K.
Identifiers: ClinVar variation 429050 (VCV000429050.18), dbSNP rs1131691138, ClinGen allele CA16032274.

ClinVar aggregate classification (germline): Conflicting classifications of pathogenicity. Review status: criteria provided, conflicting classifications (1 of 4 stars). 6 submissions from 6 submitters: Uncertain significance (4); Likely benign (2). Last evaluated 2025-08-05.

Conditions:
Familial adenomatous polyposis 1 (FAP1). Also called: FAMILIAL ADENOMATOUS POLYPOSIS 1, ATTENUATED; POLYPOSIS, ADENOMATOUS INTESTINAL. Identifiers: MedGen C2713442, MONDO:0021056, OMIM 175100. Disease mechanism: loss of function.
Classic or attenuated familial adenomatous polyposis. Identifiers: MedGen CN372698, MONDO:0021057.
Hereditary cancer-predisposing syndrome. Also called: Hereditary Cancer Syndrome; Neoplastic Syndromes, Hereditary; Hereditary neoplastic syndrome; Tumor predisposition. Identifiers: Orphanet 140162, MedGen C0027672, MeSH D009386, MONDO:0015356.

Allele frequency attached by ClinVar (database versions not stated): gnomAD exomes below 0.00001.
gnomAD v4.1: 1 of 1,613,588 alleles (0.000062%); highest among the groups gnomAD compares: Admixed American, 0.0017%; no homozygotes.

Submissions (6):

GeneDx
Classification: Uncertain significance. Last evaluated: 2025-08-05. Review status: criteria provided, single submitter. Criteria: GeneDx Variant Classification Process June 2021. Collection method: clinical testing. Allele origin: germline. Affected: yes.
Comment: Not observed at significant frequency in large population cohorts (gnomAD); In silico analysis suggests that this missense variant does not alter protein structure/function; Has not been previously published as pathogenic or benign to our knowledge

Labcorp Genetics (formerly Invitae), Labcorp
Classification: Uncertain significance for Familial adenomatous polyposis 1. Last evaluated: 2024-10-10. Review status: criteria provided, single submitter. Criteria: Invitae Variant Classification Sherloc (09022015). Collection method: clinical testing. Allele origin: germline.
Comment: This sequence change replaces asparagine, which is neutral and polar, with lysine, which is basic and polar, at codon 1667 of the APC protein (p.Asn1667Lys). This variant is not present in population databases (gnomAD no frequency). This variant has not been reported in the literature in individuals affected with APC-related conditions. ClinVar contains an entry for this variant (Variation ID: 429050). Invitae Evidence Modeling of protein sequence and biophysical properties (such as structural, functional, and spatial information, amino acid conservation, physicochemical variation, residue mobility, and thermodynamic stability) indicates that this missense variant is not expected to disrupt APC protein function with a negative predictive value of 95%. In summary, the available evidence is currently insufficient to determine the role of this variant in disease. Therefore, it has been classified as a Variant of Uncertain Significance.

Quest Diagnostics Nichols Institute San Juan Capistrano
Classification: Uncertain significance. Last evaluated: 2024-10-08. Review status: criteria provided, single submitter. Criteria: Quest Diagnostics criteria. Collection method: clinical testing. Allele origin: unknown.
Comment: The APC c.5001T>A (p.Asn1667Lys) variant has not been reported in individuals with APC-related conditions in the published literature. It also has not been reported in large, multi-ethnic general populations (Genome Aggregation Database). Analysis of this variant using bioinformatics tools for the prediction of the effect of amino acid changes on protein structure and function yielded conflicting predictions that this variant is deleterious or benign. Based on the available information, we are unable to determine the clinical significance of this variant.

Myriad Genetics, Inc.
Classification: Likely benign for Familial adenomatous polyposis 1. Last evaluated: 2024-03-28. Review status: criteria provided, single submitter. Criteria: Myriad Autosomal Dominant, Autosomal Recessive and X-Linked Classification Criteria (2023). Collection method: clinical testing. Allele origin: unknown.
Comment: This variant is considered likely benign. This variant has been observed at a population frequency that is significantly greater than expected given the associated disease prevalence and penetrance.

All of Us Research Program, National Institutes of Health
Classification: Uncertain significance for Classic or attenuated familial adenomatous polyposis. Last evaluated: 2023-06-28. Review status: criteria provided, single submitter. Criteria: ACMG Guidelines, 2015. Collection method: clinical testing. Allele origin: germline. Inheritance: Autosomal dominant inheritance. Observed: 1 variant allele, 1 heterozygote.
Comment: This study involves interpretation of variants in research participants for the purpose of population health screening. Participant phenotype was not available at the time of variant classification. Additional details can be found in publication PMID: 35346344, PMCID: PMC8962531

Ambry Genetics
Classification: Likely benign for Hereditary cancer-predisposing syndrome. Last evaluated: 2021-06-29. Review status: criteria provided, single submitter. Criteria: Ambry Variant Classification Scheme 2023. Collection method: clinical testing. Allele origin: germline.